The following is an entry in ClinVar:

ClinVar aggregate classification (germline): Uncertain significance (1 of 4 stars; one submission).

Conditions:
Spastic paraplegia. Identifiers: MedGen C0037772, HP:0001258.

Submission:

Labcorp Genetics (formerly Invitae), Labcorp
Classification: Uncertain significance for Spastic paraplegia. Last evaluated: 2021-08-27. Review status: criteria provided, single submitter. Criteria: Invitae Variant Classification Sherloc (09022015). Collection method: clinical testing. Allele origin: germline.
Comment: This sequence change replaces valine with isoleucine at codon 3055 of the SACS protein (p.Val3055Ile). The valine residue is moderately conserved and there is a small physicochemical difference between valine and isoleucine. This variant is not present in population databases (ExAC no frequency). This variant has not been reported in the literature in individuals affected with SACS-related conditions. Advanced modeling of protein sequence and biophysical properties (such as structural, functional, and spatial information, amino acid conservation, physicochemical variation, residue mobility, and thermodynamic stability) performed at Invitae indicates that this missense variant is not expected to disrupt SACS protein function. In summary, the available evidence is currently insufficient to determine the role of this variant in disease. Therefore, it has been classified as a Variant of Uncertain Significance.

NM_014363.6(SACS):c.9163G>A (p.Val3055Ile)

Gene: SACS (sacsin molecular chaperone; minus strand). Cytogenetic location: 13q12.12.
Variant type: single nucleotide variant.
Coding change: c.9163G>A on transcript NM_014363.6 (MANE Select); coding-DNA position 9163, G replaced by A.
Protein change: p.Val3055Ile; replaces valine 3055 with isoleucine.
Molecular consequence: missense variant.
Genome position (GRCh38, 1-based): chr13:23,334,713, C>T on the plus strand (G>A on the coding strand, the complement: SACS is on the minus strand). VCF-style: chr13-23334713-C-T. GRCh37 (hg19) VCF-style: chr13-23908852-C-T.
Other names: c.8722G>A, p.Val2908Ile (NM_001278055.2); short protein forms V2908I, V3055I.
Identifiers: ClinVar variation 2151121 (VCV002151121.1), dbSNP rs2542206325, ClinGen allele CA387515048.